The following is an entry in ClinVar:

NM_001080421.3(UNC13A):c.831C>T (p.Ser277=)

Gene: UNC13A (unc-13 homolog A; minus strand). Cytogenetic location: 19p13.11.
Variant type: single nucleotide variant.
Coding change: c.831C>T on transcript NM_001080421.3 (MANE Select); coding-DNA position 831, C replaced by T.
Protein change: p.Ser277=; no amino-acid change (serine 277 retained).
Molecular consequence: synonymous variant.
Genome position (GRCh38, 1-based): chr19:17,656,335, G>A on the plus strand (C>T on the coding strand, the complement: UNC13A is on the minus strand). VCF-style: chr19-17656335-G-A. GRCh37 (hg19) VCF-style: chr19-17767144-G-A.
Other names: c.831C>T, p.Ser277= (NM_001387021.1, NM_001387022.1, NM_001387023.1).
Identifiers: ClinVar variation 3351723 (VCV003351723.1).

ClinVar aggregate classification (germline): Likely benign (0 of 4 stars; one submission).

Conditions:
UNC13A-related disorder. Also called: UNC13A-related condition.

gnomAD v4.1: 63 of 1,558,722 alleles (0.004%); highest among the groups gnomAD compares: Non-Finnish European, 0.0051%; no homozygotes.

Submission:

PreventionGenetics, part of Exact Sciences
Classification: Likely benign for UNC13A-related condition. Last evaluated: 2024-05-30. Review status: no assertion criteria provided. Collection method: clinical testing. Allele origin: germline.
Comment: This variant is classified as likely benign based on ACMG/AMP sequence variant interpretation guidelines (Richards et al. 2015 PMID: 25741868, with internal and published modifications).